The following is an entry in ClinVar:

NM_003850.3(SUCLA2):c.91-225G>A

Gene: SUCLA2 (succinate-CoA ligase ADP-forming subunit beta; minus strand). Cytogenetic location: 13q14.2.
Variant type: single nucleotide variant.
Coding change: c.91-225G>A on transcript NM_003850.3 (MANE Select); 225 bases into the intron before coding-DNA position 91, G replaced by A.
Molecular consequence: intron variant.
Genome position (GRCh38, 1-based): chr13:47,997,248, C>T on the plus strand (G>A on the coding strand, the complement: SUCLA2 is on the minus strand). VCF-style: chr13-47997248-C-T. GRCh37 (hg19) VCF-style: chr13-48571383-C-T.
Identifiers: ClinVar variation 670145 (VCV000670145.1), dbSNP rs2296574, ClinGen allele CA13788356.

ClinVar aggregate classification (germline): Benign (1 of 4 stars; one submission).

Allele frequency attached by ClinVar (database versions not stated): 1000 Genomes Project 30x 0.67926; 1000 Genomes Project 0.68371; TOPMed 0.71524; gnomAD 0.72738 and 0.72995.
gnomAD v4.1: 110,765 of 151,944 alleles (73%); highest among the groups gnomAD compares: Non-Finnish European, 82%; 41,328 homozygotes.

Submission:

GeneDx
Classification: Benign. Last evaluated: 2018-06-14. Review status: criteria provided, single submitter. Criteria: GeneDx Variant Classification (06012015). Collection method: clinical testing. Allele origin: germline. Affected: yes.
Comment: This variant is considered likely benign or benign based on one or more of the following criteria: it is a conservative change, it occurs at a poorly conserved position in the protein, it is predicted to be benign by multiple in silico algorithms, and/or has population frequency not consistent with disease.